The following is an entry in ClinVar:

NM_022772.4(EPS8L2):c.2133G>A (p.Arg711=)

Gene: EPS8L2 (EPS8 signaling adaptor L2; plus strand). Cytogenetic location: 11p15.5.
Variant type: single nucleotide variant.
Coding change: c.2133G>A on transcript NM_022772.4 (MANE Select); coding-DNA position 2133, G replaced by A.
Protein change: p.Arg711=; no amino-acid change (arginine 711 retained).
Molecular consequence: synonymous variant.
Genome position (GRCh38, 1-based): chr11:726,966, G>A. VCF-style: chr11-726966-G-A. GRCh37 (hg19) VCF-style: chr11-726966-G-A.
Identifiers: ClinVar variation 3038292 (VCV003038292.3), dbSNP rs202059125, ClinGen allele CA5787928.

ClinVar aggregate classification (germline): Likely benign. Review status: criteria provided, single submitter (1 of 4 stars). 2 submissions from 2 submitters: Likely benign (1). 1 of the submissions does not count toward it. Last evaluated 2023-12-21.

Conditions:
EPS8L2-related disorder. Also called: EPS8L2-related condition.

gnomAD v4.1: 66 of 1,613,106 alleles (0.0041%); highest among the groups gnomAD compares: Non-Finnish European, 0.005%; no homozygotes.

Submissions (2):

Blueprint Genetics
Classification: Likely benign. Last evaluated: 2023-12-21. Review status: criteria provided, single submitter. Criteria: ACMG Guidelines, 2015. Collection method: clinical testing. Allele origin: germline.

PreventionGenetics, part of Exact Sciences
Classification: Likely benign for EPS8L2-related condition. Last evaluated: 2019-05-07. Review status: no assertion criteria provided. Collection method: clinical testing. Allele origin: germline. Not counted in ClinVar's aggregate classification.
Comment: This variant is classified as likely benign based on ACMG/AMP sequence variant interpretation guidelines (Richards et al. 2015 PMID: 25741868, with internal and published modifications).